The following is an entry in ClinVar:

NM_152722.5(HEPACAM):c.592G>A (p.Asp198Asn)

Gene: HEPACAM (hepatic and glial cell adhesion molecule; minus strand). Cytogenetic location: 11q24.2.
Variant type: single nucleotide variant.
Coding change: c.592G>A on transcript NM_152722.5 (MANE Select); coding-DNA position 592, G replaced by A.
Protein change: p.Asp198Asn; replaces aspartic acid 198 with asparagine.
Molecular consequence: missense variant.
Genome position (GRCh38, 1-based): chr11:124,923,846, C>T on the plus strand (G>A on the coding strand, the complement: HEPACAM is on the minus strand). VCF-style: chr11-124923846-C-T. GRCh37 (hg19) VCF-style: chr11-124793742-C-T.
Other names: p.Asp198Asn; short protein forms D198N.
Identifiers: ClinVar variation 522820 (VCV000522820.8), dbSNP rs570071609, ClinGen allele CA6345708.

ClinVar aggregate classification (germline): Uncertain significance. Review status: criteria provided, multiple submitters, no conflicts (2 of 4 stars). 4 submissions from 3 submitters: Uncertain significance (3). 1 of the submissions does not count toward it. Last evaluated 2023-07-22.

Conditions:
Megalencephalic leukoencephalopathy with subcortical cysts. Also called: VAN DER KNAAP DISEASE. Identifiers: Orphanet 2478, MedGen C1858854, MONDO:0011391.
Megalencephalic leukoencephalopathy with subcortical cysts 2B, remitting, with or without impaired intellectual development. Also called: Megalencephalic leukoencephalopathy with subcortical cysts 2B, remitting, with or without intellectual disability. Identifiers: Orphanet 2478, MedGen C3151356, MONDO:0013491, OMIM 613926.

Allele frequency attached by ClinVar (database versions not stated): gnomAD exomes 0.00001 and 0.00002; gnomAD 0.00001; TOPMed 0.00002; 1000 Genomes Project 30x 0.00016; 1000 Genomes Project 0.00020; ExAC 0.00002.
gnomAD v4.1: 13 of 1,614,086 alleles (0.00081%); highest among the groups gnomAD compares: Admixed American, 0.005%; no homozygotes.

Submissions (4):

Neuberg Centre For Genomic Medicine, NCGM
Classification: Uncertain significance for Megalencephalic leukoencephalopathy with subcortical cysts 2B, remitting, with or without impaired intellectual development. Last evaluated: 2023-07-22. Review status: criteria provided, single submitter. Criteria: ACMG Guidelines, 2015. Collection method: clinical testing. Allele origin: germline. Inheritance: Autosomal dominant inheritance. Affected: yes.
Comment: The observed missense c.592G>Ap.Asp198Asn variant in HEPACAM gene has not been reported previously as a pathogenic variant nor as a benign variant, to our knowledge. This variant is present with an allele frequency of 0.002% in gnomAD Exomes database. This variant has been submited to the ClinVar database as Uncertain significance. Computational evidence Polyphen -probably damaging, SIFT - Tolerated and MutationTaster -Disease causing predicts conflicting evidence on protein structure and function for this variant. The reference amino acid in HEPACAM is predicted as conserved by GERP++ and PhyloP across 100 vertebrates. The amino acid Asp at position 198 is changed to a Asn changing protein sequence and it might alter its composition and physico-chemical properties. For these reasons, this variant has been classified as Uncertain Significance VUS.

GeneDx
Classification: Uncertain significance. Last evaluated: 2020-01-22. Review status: criteria provided, single submitter. Criteria: GeneDx Variant Classification Process June 2021. Collection method: clinical testing. Allele origin: germline. Affected: yes.
Comment: In silico analysis, which includes protein predictors and evolutionary conservation, supports that this variant does not alter protein structure/function; Has not been previously published as pathogenic or benign to our knowledge

Undiagnosed Diseases Network, NIH
Classification: Uncertain significance for Megalencephalic leukoencephalopathy with subcortical cysts 2B, remitting, with or without impaired intellectual development. Last evaluated: 2017-03-03. Review status: criteria provided, single submitter. Criteria: ACMG Guidelines, 2015. Collection method: clinical testing. Allele origin: maternal. Inheritance: Autosomal dominant inheritance. Affected: yes. Observed: 2 variant alleles, 2 heterozygotes. Clinical features observed: Postnatal macrocephaly (HP:0005490), Normocytic anemia (HP:0001897), Megalencephaly (HP:0001355), Leukoencephalopathy (HP:0002352), Leukodystrophy (HP:0002415), Incoordination (HP:0002311), Generalized tonic-clonic seizures (HP:0002069), Delayed fine motor development (HP:0010862).

Undiagnosed Diseases Network, NIH
Classification: Uncertain significance for Megalencephalic leukoencephalopathy with subcortical cysts 2B, remitting, with or without impaired intellectual development. Last evaluated: 2018-03-16. Review status: no assertion criteria provided. Collection method: clinical testing. Allele origin: maternal. Affected: yes. Observed: 1 variant allele, 1 heterozygote. Study: Undiagnosed Diseases Network (NIH), UDN. Not counted in ClinVar's aggregate classification.